The following is an entry in ClinVar:

NM_000138.5(FBN1):c.394G>C (p.Asp132His)

Gene: FBN1 (fibrillin 1; minus strand). Cytogenetic location: 15q21.1.
Variant type: single nucleotide variant.
Coding change: c.394G>C on transcript NM_000138.5 (MANE Select); coding-DNA position 394, G replaced by C.
Protein change: p.Asp132His; replaces aspartic acid 132 with histidine.
Molecular consequence: missense variant.
Genome position (GRCh38, 1-based): chr15:48,600,187, C>G on the plus strand (G>C on the coding strand, the complement: FBN1 is on the minus strand). VCF-style: chr15-48600187-C-G. GRCh37 (hg19) VCF-style: chr15-48892384-C-G.
Other names: c.394G>C, p.Asp132His (NM_001406716.1, NM_001406717.1); short protein forms D132H.
Identifiers: ClinVar variation 1736425 (VCV001736425.2), dbSNP rs542798262, ClinGen allele CA392446538.

ClinVar aggregate classification (germline): Uncertain significance (1 of 4 stars; one submission).

Conditions:
Familial thoracic aortic aneurysm and aortic dissection (TAAD). Also called: Thoracic aortic aneurysms and dissections. Identifiers: Orphanet 91387, MedGen C4707243, MONDO:0019625.

Submission:

Ambry Genetics
Classification: Uncertain significance for Familial thoracic aortic aneurysm and aortic dissection. Last evaluated: 2022-05-25. Review status: criteria provided, single submitter. Criteria: Ambry Variant Classification Scheme 2023. Collection method: clinical testing. Allele origin: germline.
Comment: The p.D132H variant (also known as c.394G>C), located in coding exon 4 of the FBN1 gene, results from a G to C substitution at nucleotide position 394. The aspartic acid at codon 132 is replaced by histidine, an amino acid with similar properties. This amino acid position is highly conserved in available vertebrate species. In addition, this alteration is predicted to be deleterious by in silico analysis. Since supporting evidence is limited at this time, the clinical significance of this alteration remains unclear.